The following is an entry in ClinVar:

NM_000282.4(PCCA):c.1943A>C (p.Lys648Thr)

Gene: PCCA (propionyl-CoA carboxylase subunit alpha; plus strand). Cytogenetic location: 13q32.3.
Variant type: single nucleotide variant.
Coding change: c.1943A>C on transcript NM_000282.4 (MANE Select); coding-DNA position 1943, A replaced by C.
Protein change: p.Lys648Thr; replaces lysine 648 with threonine.
Molecular consequence: missense variant. On other transcripts: non-coding transcript variant (4), intron variant (2).
Genome position (GRCh38, 1-based): chr13:100,515,470, A>C. VCF-style: chr13-100515470-A-C. GRCh37 (hg19) VCF-style: chr13-101167724-A-C.
Other names: c.1865A>C, p.Lys622Thr (NM_001127692.3); c.1889A>C, p.Lys630Thr (NM_001352605.2); c.1799A>C, p.Lys600Thr (NM_001352606.2); c.1721A>C, p.Lys574Thr (NM_001352608.2); c.998A>C, p.Lys333Thr (NM_001352610.2); c.944A>C, p.Lys315Thr (NM_001352611.2); c.854A>C, p.Lys285Thr (NM_001352612.2); c.1900-12205A>C (NM_001178004.2); and 1 more; short protein forms K285T, K315T, K333T, K574T, K600T, K622T, K630T, K648T.
Identifiers: ClinVar variation 2422174 (VCV002422174.3), dbSNP rs1489785929, ClinGen allele CA388640243.
Genomic context (GRCh38, chr13:100,515,470, plus strand): 5'-TTTGTTTTTCCCTTAAGTACAAGGTGAATATCTTAACCAGACTTGCCGCAGAATTGAACA[A>C]ATTTATGCTGGAAAAAGTGACTGAGGACACAAGCAGTGTTCTGCGTTCCCCGATGCCCGG-3'
Protein context (NP_000273.2, residues 638-658): ILTRLAAELN[Lys648Thr]FMLEKVTEDT

ClinVar aggregate classification (germline): Uncertain significance (1 of 4 stars; one submission).

Conditions:
Propionic acidemia (PROP). Also called: GLYCINEMIA, KETOTIC; HYPERGLYCINEMIA WITH KETOACIDOSIS AND LEUKOPENIA; KETOTIC HYPERGLYCINEMIA. Identifiers: Orphanet 35, MedGen C0268579, MONDO:0011628, OMIM 606054, HP:0003571.

Allele frequency attached by ClinVar (database versions not stated): TOPMed below 0.00001.
gnomAD v4.1: 17 of 1,614,114 alleles (0.0011%); highest among the groups gnomAD compares: Non-Finnish European, 0.0014%; no homozygotes.

Submission:

Labcorp Genetics (formerly Invitae), Labcorp
Classification: Uncertain significance for Propionic acidemia. Last evaluated: 2022-08-14. Review status: criteria provided, single submitter. Criteria: Invitae Variant Classification Sherloc (09022015). Collection method: clinical testing. Allele origin: germline.
Comment: This sequence change replaces lysine, which is basic and polar, with threonine, which is neutral and polar, at codon 648 of the PCCA protein (p.Lys648Thr). This variant is present in population databases (no rsID available, gnomAD 0.0009%). This variant has not been reported in the literature in individuals affected with PCCA-related conditions. Advanced modeling of protein sequence and biophysical properties (such as structural, functional, and spatial information, amino acid conservation, physicochemical variation, residue mobility, and thermodynamic stability) performed at Invitae indicates that this missense variant is not expected to disrupt PCCA protein function. In summary, the available evidence is currently insufficient to determine the role of this variant in disease. Therefore, it has been classified as a Variant of Uncertain Significance.